The following is an entry in ClinVar:

NM_032242.4(PLXNA1):c.2757-3C>T

Gene: PLXNA1 (plexin A1; plus strand). Cytogenetic location: 3q21.3.
Variant type: single nucleotide variant.
Coding change: c.2757-3C>T on transcript NM_032242.4 (MANE Select); 3 bases into the intron before coding-DNA position 2757, C replaced by T.
Molecular consequence: intron variant.
Genome position (GRCh38, 1-based): chr3:127,014,708, C>T. VCF-style: chr3-127014708-C-T. GRCh37 (hg19) VCF-style: chr3-126733551-C-T.
Identifiers: ClinVar variation 3045683 (VCV003045683.2), dbSNP rs367887428, ClinGen allele CA2593773.

ClinVar aggregate classification (germline): Likely benign (0 of 4 stars; one submission).

Conditions:
PLXNA1-related disorder. Also called: PLXNA1-related condition.

Allele frequency attached by ClinVar (database versions not stated): TOPMed 0.00014; ExAC 0.00015; gnomAD 0.00016; ESP Exome Variant Server 0.00023; gnomAD exomes 0.00030.
gnomAD v4.1: 470 of 1,611,282 alleles (0.029%); highest among the groups gnomAD compares: Non-Finnish European, 0.037%; no homozygotes.

Submission:

PreventionGenetics, part of Exact Sciences
Classification: Likely benign for PLXNA1-related condition. Last evaluated: 2019-10-28. Review status: no assertion criteria provided. Collection method: clinical testing. Allele origin: germline.
Comment: This variant is classified as likely benign based on ACMG/AMP sequence variant interpretation guidelines (Richards et al. 2015 PMID: 25741868, with internal and published modifications).